The following is an entry in ClinVar:

NM_001099274.3(TINF2):c.1171G>A (p.Asp391Asn)

Gene: TINF2 (TERF1 interacting nuclear factor 2; minus strand). Cytogenetic location: 14q12.
Variant type: single nucleotide variant.
Coding change: c.1171G>A on transcript NM_001099274.3 (MANE Select); coding-DNA position 1171, G replaced by A.
Protein change: p.Asp391Asn; replaces aspartic acid 391 with asparagine.
Molecular consequence: missense variant. On other transcripts: 3 prime UTR variant (1).
Genome position (GRCh38, 1-based): chr14:24,240,114, C>T on the plus strand (G>A on the coding strand, the complement: TINF2 is on the minus strand). VCF-style: chr14-24240114-C-T. GRCh37 (hg19) VCF-style: chr14-24709320-C-T.
Other names: c.1066G>A, p.Asp356Asn (NM_001363668.2); c.*301G>A (NM_012461.3); short protein forms D356N, D391N.
Identifiers: ClinVar variation 3367668 (VCV003367668.1).
Genomic context (GRCh38, chr14:24,240,114, plus strand): 5'-TCCCACTCACCTTTCCTTCCCCCTGGCCATTTTCTTCCTCATCAGAGTCTAAAACCAAGT[C>T]CCCTATGGTAATGACGGAGCTGCACAGAGACGGAGGACACACTGTAGGAGGGAAACCAGA-3'
Protein context (NP_001092744.1, residues 381-401): SLCSSVITIG[Asp391Asn]LVLDSDEEEN

ClinVar aggregate classification (germline): Uncertain significance (1 of 4 stars; one submission).

gnomAD v4.1: 2 of 1,614,082 alleles (0.00012%); highest among the groups gnomAD compares: South Asian, 0.0011%; no homozygotes.

Submission:

GeneDx
Classification: Uncertain significance. Last evaluated: 2024-01-07. Review status: criteria provided, single submitter. Criteria: GeneDx Variant Classification Process June 2021. Collection method: clinical testing. Allele origin: germline. Affected: yes.
Comment: Not observed at significant frequency in large population cohorts (gnomAD); In silico analysis supports that this missense variant has a deleterious effect on protein structure/function; Has not been previously published as pathogenic or benign to our knowledge